The following is an entry in ClinVar:

ClinVar aggregate classification (germline): Conflicting classifications of pathogenicity. Review status: criteria provided, conflicting classifications (1 of 4 stars). 5 submissions from 5 submitters: Uncertain significance (4); Likely benign (1). Last evaluated 2025-01-13.

Conditions:
Hereditary breast ovarian cancer syndrome. Also called: Hereditary breast and ovarian cancer syndrome (HBOC); Hereditary breast and ovarian cancer syndrome; Breast and ovarian cancer; BRCA1- and BRCA2-Associated Hereditary Breast and Ovarian Cancer; Hereditary breast and ovarian cancer; Hereditary breast and/or ovarian cancer syndrome. Identifiers: Orphanet 145, MedGen C0677776, MeSH D061325, MONDO:0003582. Disease mechanism: loss of function.
Hereditary cancer-predisposing syndrome. Also called: Neoplastic Syndromes, Hereditary; Hereditary Cancer Syndrome; Hereditary neoplastic syndrome; Tumor predisposition. Identifiers: Orphanet 140162, MedGen C0027672, MeSH D009386, MONDO:0015356.

Submissions (5):

Ambry Genetics
Classification: Uncertain significance for Hereditary cancer-predisposing syndrome. Last evaluated: 2025-01-13. Review status: criteria provided, single submitter. Criteria: Ambry Variant Classification Scheme 2023. Collection method: clinical testing. Allele origin: germline.
Comment: The p.S1211C variant (also known as c.3632C>G), located in coding exon 9 of the BRCA1 gene, results from a C to G substitution at nucleotide position 3632. The serine at codon 1211 is replaced by cysteine, an amino acid with dissimilar properties. This variant was not reported in population based cohorts in the following databases: Database of Single Nucleotide Polymorphisms (dbSNP), NHLBI Exome Sequencing Project (ESP), and 1000 Genomes Project. In the ESP, this variant was not observed in 6503 samples (13006 alleles) with coverage at this position. To date, this alteration has been detected with an allele frequency of approximately 0.0003% (greater than 300000 alleles tested) in our clinical cohort. This amino acid position is well conserved in available vertebrate species. In addition, the in silico prediction for this alteration is inconclusive. Since supporting evidence is limited at this time, the clinical significance of this alteration remains unclear.

Color Diagnostics, LLC DBA Color Health
Classification: Uncertain significance for Hereditary cancer-predisposing syndrome. Last evaluated: 2024-12-17. Review status: criteria provided, single submitter. Criteria: ACMG Guidelines, 2015. Collection method: clinical testing. Allele origin: germline.
Comment: This missense variant replaces serine with cysteine at codon 1211 of the BRCA1 protein. Computational prediction is inconclusive regarding the impact of this variant on protein structure and function. To our knowledge, functional studies have not been reported for this variant. A multifactorial analysis has reported a likelihood ratio for pathogenicity based on personal and family history of 0.265 from log(LR)=-0.577029288 for one carrier (PMID: 31853058). This variant has not been identified in the general population by the Genome Aggregation Database (gnomAD). The available evidence is insufficient to determine the role of this variant in disease conclusively. Therefore, this variant is classified as a Variant of Uncertain Significance.

Labcorp Genetics (formerly Invitae), Labcorp
Classification: Uncertain significance for Hereditary breast ovarian cancer syndrome. Last evaluated: 2023-04-19. Review status: criteria provided, single submitter. Criteria: Invitae Variant Classification Sherloc (09022015). Collection method: clinical testing. Allele origin: germline.
Comment: In summary, the available evidence is currently insufficient to determine the role of this variant in disease. Therefore, it has been classified as a Variant of Uncertain Significance. Advanced modeling of protein sequence and biophysical properties (such as structural, functional, and spatial information, amino acid conservation, physicochemical variation, residue mobility, and thermodynamic stability) performed at Invitae indicates that this missense variant is not expected to disrupt BRCA1 protein function. ClinVar contains an entry for this variant (Variation ID: 479240). This variant has not been reported in the literature in individuals affected with BRCA1-related conditions. This variant is not present in population databases (gnomAD no frequency). This sequence change replaces serine, which is neutral and polar, with cysteine, which is neutral and slightly polar, at codon 1211 of the BRCA1 protein (p.Ser1211Cys).

University of Washington Department of Laboratory Medicine, University of Washington
Classification: Likely benign for Hereditary cancer-predisposing syndrome. Last evaluated: 2023-03-23. Review status: criteria provided, single submitter. Criteria: Dines et al. (Genet Med. 2020). Collection method: curation. Allele origin: germline.
Comment: Missense variant in a coldspot region where missense variants are very unlikely to be pathogenic (PMID:31911673).

BRCA1 coldspot (exon 11 using historical exon numbering). Reclassification based on statistical prior probability

Women's Health and Genetics/Laboratory Corporation of America, LabCorp
Classification: Uncertain significance. Last evaluated: 2022-10-11. Review status: criteria provided, single submitter. Criteria: LabCorp Variant Classification Summary - May 2015. Collection method: clinical testing. Allele origin: germline.
Comment: Variant summary: BRCA1 c.3632C>G (p.Ser1211Cys) results in a non-conservative amino acid change in the encoded protein sequence. Five of five in-silico tools predict a damaging effect of the variant on protein function. The variant was absent in 251278 control chromosomes. The available data on variant occurrences in the general population are insufficient to allow any conclusion about variant significance. c.3632C>G has been reported in the literature as a presumed somatic occurrence in an individual affected with ovarian endometrioid carcinoma (Gaia-Oltean_2021). This report does not provide unequivocal conclusions about association of the variant with Hereditary Breast And Ovarian Cancer Syndrome. To our knowledge, no experimental evidence demonstrating an impact on protein function has been reported. Two clinical diagnostic laboratories have submitted clinical-significance assessments for this variant to ClinVar after 2014 and classified the variant as uncertain significance. Based on the evidence outlined above, the variant was classified as uncertain significance.

Literature cited by the submitters: PubMed 31853058 (cited by Color Diagnostics, LLC DBA Color Health); PubMed 33948387 (cited by Women's Health and Genetics/Laboratory Corporation of America, LabCorp).

NM_007294.4(BRCA1):c.3632C>G (p.Ser1211Cys)

Genes: BRCA1 (BRCA1 DNA repair associated; minus strand), LOC126862571 (BRD4-independent group 4 enhancer GRCh37_chr17:41243136-41244335; plus strand). Cytogenetic location: 17q21.31.
Variant type: single nucleotide variant.
Coding change: c.3632C>G on transcript NM_007294.4 (MANE Select); coding-DNA position 3632, C replaced by G.
Protein change: p.Ser1211Cys; replaces serine 1211 with cysteine.
Molecular consequence: missense variant. On other transcripts: intron variant (135).
Genome position (GRCh38, 1-based): chr17:43,091,899, G>C on the plus strand (C>G on the coding strand, the complement: BRCA1 is on the minus strand). VCF-style: chr17-43091899-G-C. GRCh37 (hg19) VCF-style: chr17-41243916-G-C.
Other names: c.3488C>G, p.Ser1163Cys (NM_001407943.1, NM_001407843.1, NM_001407842.1 and 20 more transcripts); c.3491C>G, p.Ser1164Cys (NM_001407751.1, NM_001407944.1, NM_001407752.1 and 29 more transcripts); c.3299C>G, p.Ser1100Cys (NM_001407949.1, NM_001407946.1, NM_001407947.1 and 6 more transcripts); c.3368C>G, p.Ser1123Cys (NM_001407925.1, NM_001407926.1, NM_001407927.1 and 9 more transcripts); c.3365C>G, p.Ser1122Cys (NM_001407930.1, NM_001407931.1, NM_001407932.1 and 2 more transcripts); c.3509C>G, p.Ser1170Cys (NM_001407937.1, NM_001407938.1, NM_001407939.1 and 19 more transcripts); c.3506C>G, p.Ser1169Cys (NM_001407940.1, NM_001407941.1, NM_001407649.1 and 11 more transcripts); c.3296C>G, p.Ser1099Cys (NM_001407954.1, NM_001407955.1, NM_001407956.1 and 1 more transcripts); and 41 more; short protein forms S1211C, S1164C, S1043C, S1099C, S1100C, S1143C, S1170C, S343C.
Identifiers: ClinVar variation 479240 (VCV000479240.17), dbSNP rs1555587377, ClinGen allele CA10594703.